The following is an entry in ClinVar:

ClinVar aggregate classification (germline): Uncertain significance (1 of 4 stars; one submission).

Allele frequency attached by ClinVar (database versions not stated): gnomAD exomes below 0.00001.
gnomAD v4.1: 1 of 1,614,122 alleles (0.000062%); highest among the groups gnomAD compares: Non-Finnish European, 0.000085%; no homozygotes.

Submission:

Labcorp Genetics (formerly Invitae), Labcorp
Classification: Uncertain significance. Last evaluated: 2022-07-03. Review status: criteria provided, single submitter. Criteria: Invitae Variant Classification Sherloc (09022015). Collection method: clinical testing. Allele origin: germline.
Comment: In summary, the available evidence is currently insufficient to determine the role of this variant in disease. Therefore, it has been classified as a Variant of Uncertain Significance. Algorithms developed to predict the effect of missense changes on protein structure and function output the following: SIFT: "Deleterious"; PolyPhen-2: "Benign"; Align-GVGD: "Class C0". The glycine amino acid residue is found in multiple mammalian species, which suggests that this missense change does not adversely affect protein function. This variant has not been reported in the literature in individuals affected with LTBP2-related conditions. This variant is not present in population databases (gnomAD no frequency). This sequence change replaces serine, which is neutral and polar, with glycine, which is neutral and non-polar, at codon 1667 of the LTBP2 protein (p.Ser1667Gly).

NM_000428.3(LTBP2):c.4999A>G (p.Ser1667Gly)

Gene: LTBP2 (latent transforming growth factor beta binding protein 2; minus strand). Cytogenetic location: 14q24.3.
Variant type: single nucleotide variant.
Coding change: c.4999A>G on transcript NM_000428.3 (MANE Select); coding-DNA position 4999, A replaced by G.
Protein change: p.Ser1667Gly; replaces serine 1667 with glycine.
Molecular consequence: missense variant.
Genome position (GRCh38, 1-based): chr14:74,502,824, T>C on the plus strand (A>G on the coding strand, the complement: LTBP2 is on the minus strand). VCF-style: chr14-74502824-T-C. GRCh37 (hg19) VCF-style: chr14-74969527-T-C.
Other names: short protein forms S1667G.
Identifiers: ClinVar variation 2013374 (VCV002013374.4), dbSNP rs2506129062, ClinGen allele CA390383505.